The following is an entry in ClinVar:

ClinVar aggregate classification (germline): Uncertain significance. Review status: criteria provided, multiple submitters, no conflicts (2 of 4 stars). 2 submissions from 2 submitters: Uncertain significance (2). Last evaluated 2026-08-08.

Conditions:
Noonan syndrome 9 (NS9). Identifiers: Orphanet 648, MedGen C4225282, MONDO:0014691, OMIM 616559.
Cardiovascular phenotype. Identifiers: MedGen CN230736.

gnomAD v4.1: 1 of 1,611,610 alleles (0.000062%); highest among the groups gnomAD compares: Non-Finnish European, 0.000085%; no homozygotes.

Submissions (2):

Ambry Genetics
Classification: Uncertain significance for Cardiovascular phenotype. Last evaluated: 2026-08-08. Review status: criteria provided, single submitter. Criteria: Ambry Variant Classification Scheme 2023. Collection method: clinical testing. Allele origin: germline.
Comment: The p.L378V variant (also known as c.1132C>G), located in coding exon 9 of the SOS2 gene, results from a C to G substitution at nucleotide position 1132. The leucine at codon 378 is replaced by valine, an amino acid with highly similar properties. This amino acid position is conserved. In addition, this alteration is predicted to be deleterious by in silico analysis. Based on the available evidence, the clinical significance of this variant remains unclear.

Labcorp Genetics (formerly Invitae), Labcorp
Classification: Uncertain significance for Noonan syndrome 9. Last evaluated: 2026-02-03. Review status: criteria provided, single submitter. Criteria: Invitae Variant Classification Sherloc (09022015). Collection method: clinical testing. Allele origin: germline.
Comment: This sequence change replaces leucine, which is neutral and non-polar, with valine, which is neutral and non-polar, at codon 378 of the SOS2 protein (p.Leu378Val). This variant is not present in population databases (gnomAD no frequency). This variant has not been reported in the literature in individuals affected with SOS2-related conditions. Invitae Evidence Modeling of protein sequence and biophysical properties (such as structural, functional, and spatial information, amino acid conservation, physicochemical variation, residue mobility, and thermodynamic stability) has been performed for this missense variant. However, the output from this modeling did not meet the statistical confidence thresholds required to predict the impact of this variant on SOS2 protein function. In summary, the available evidence is currently insufficient to determine the role of this variant in disease. Therefore, it has been classified as a Variant of Uncertain Significance.

NM_006939.4(SOS2):c.1132C>G (p.Leu378Val)

Gene: SOS2 (SOS Ras/Rho guanine nucleotide exchange factor 2; minus strand). Cytogenetic location: 14q21.3.
Variant type: single nucleotide variant.
Coding change: c.1132C>G on transcript NM_006939.4 (MANE Select); coding-DNA position 1132, C replaced by G.
Protein change: p.Leu378Val; replaces leucine 378 with valine.
Molecular consequence: missense variant.
Genome position (GRCh38, 1-based): chr14:50,161,546, G>C on the plus strand (C>G on the coding strand, the complement: SOS2 is on the minus strand). VCF-style: chr14-50161546-G-C. GRCh37 (hg19) VCF-style: chr14-50628264-G-C.
Other names: c.1132C>G (NM_006939.2); c.1033C>G, p.Leu345Val (NM_001411020.1); short protein forms L378V, L345V.
Identifiers: ClinVar variation 4748624 (VCV004748624.2).